The following is an entry in ClinVar:

ClinVar aggregate classification (germline): Uncertain significance (1 of 4 stars; one submission).

Conditions:
Autosomal recessive limb-girdle muscular dystrophy type 2P. Also called: MUSCULAR DYSTROPHY-DYSTROGLYCANOPATHY, LIMB-GIRDLE, DAG1-RELATED; MUSCULAR DYSTROPHY, LIMB-GIRDLE, TYPE 2P; Limb-Girdle Muscular Dystrophy Type 9C. Identifiers: Orphanet 280333, MedGen C4511963, MONDO:0013440, OMIM 613818.
Muscular dystrophy-dystroglycanopathy (congenital with brain and eye anomalies), type A9. Also called: Muscular dystrophy-dystroglycanopathy (congenital with brain and eye anomalies), type a, 9; WALKER-WARBURG SYNDROME OR MUSCLE-EYE BRAIN DISEASE, DAG1-RELATED. Identifiers: Orphanet 370997, Orphanet 899, MedGen C4225291, MONDO:0014683, OMIM 616538.

gnomAD v4.1: 2 of 1,614,144 alleles (0.00012%); highest among the groups gnomAD compares: Admixed American, 0.0017%; no homozygotes.

Submission:

Labcorp Genetics (formerly Invitae), Labcorp
Classification: Uncertain significance for Autosomal recessive limb-girdle muscular dystrophy type 2P; Muscular dystrophy-dystroglycanopathy (congenital with brain and eye anomalies), type A9. Last evaluated: 2022-08-09. Review status: criteria provided, single submitter. Criteria: Invitae Variant Classification Sherloc (09022015). Collection method: clinical testing. Allele origin: germline.
Comment: In summary, the available evidence is currently insufficient to determine the role of this variant in disease. Therefore, it has been classified as a Variant of Uncertain Significance. Algorithms developed to predict the effect of missense changes on protein structure and function are either unavailable or do not agree on the potential impact of this missense change (SIFT: "Deleterious"; PolyPhen-2: "Probably Damaging"; Align-GVGD: "Class C0"). This variant has not been reported in the literature in individuals affected with DAG1-related conditions. This variant is present in population databases (rs199654893, gnomAD 0.003%). This sequence change replaces isoleucine, which is neutral and non-polar, with methionine, which is neutral and non-polar, at codon 154 of the DAG1 protein (p.Ile154Met).

NM_004393.6(DAG1):c.462C>G (p.Ile154Met)

Gene: DAG1 (dystroglycan 1; plus strand). Cytogenetic location: 3p21.31.
Variant type: single nucleotide variant.
Coding change: c.462C>G on transcript NM_004393.6 (MANE Select); coding-DNA position 462, C replaced by G.
Protein change: p.Ile154Met; replaces isoleucine 154 with methionine.
Molecular consequence: missense variant.
Genome position (GRCh38, 1-based): chr3:49,530,973, C>G. VCF-style: chr3-49530973-C-G. GRCh37 (hg19) VCF-style: chr3-49568406-C-G.
Other names: c.462C>G, p.Ile154Met (NM_001165928.4, NM_001177634.3, NM_001177635.3 and 9 more transcripts); short protein forms I154M.
Identifiers: ClinVar variation 1944267 (VCV001944267.5), dbSNP rs199654893, ClinGen allele CA2398910.